The following is an entry in ClinVar:

NM_022124.6(CDH23):c.9177G>A (p.Pro3059=)

Gene: CDH23 (cadherin related 23; plus strand). Cytogenetic location: 10q22.1.
Variant type: single nucleotide variant.
Coding change: c.9177G>A on transcript NM_022124.6 (MANE Select); coding-DNA position 9177, G replaced by A.
Protein change: p.Pro3059=; no amino-acid change (proline 3059 retained).
Molecular consequence: synonymous variant.
Genome position (GRCh38, 1-based): chr10:71,811,414, G>A. VCF-style: chr10-71811414-G-A. GRCh37 (hg19) VCF-style: chr10-73571171-G-A.
Other names: c.2457G>A, p.Pro819= (NM_001171933.1, NM_001171934.1).
Identifiers: ClinVar variation 46070 (VCV000046070.15), dbSNP rs371609236, ClinGen allele CA137633.

ClinVar aggregate classification (germline): Likely benign. Review status: criteria provided, multiple submitters, no conflicts (2 of 4 stars). 5 submissions from 5 submitters: Likely benign (5). Last evaluated 2026-01-19.

Conditions:
CDH23-related disorder. Also called: CDH23-related disorders; CDH23-related condition.

Allele frequency attached by ClinVar (database versions not stated): gnomAD 0.00002 and 0.00001; TOPMed 0.00007; 1000 Genomes Project 30x 0.00016; 1000 Genomes Project 0.00020.
gnomAD v4.1: 72 of 1,613,966 alleles (0.0045%); highest among the groups gnomAD compares: East Asian, 0.047%; no homozygotes.

Submissions (5):

Labcorp Genetics (formerly Invitae), Labcorp
Classification: Likely benign. Last evaluated: 2026-01-19. Review status: criteria provided, single submitter. Criteria: Invitae Variant Classification Sherloc (09022015). Collection method: clinical testing. Allele origin: germline.

PreventionGenetics, part of Exact Sciences
Classification: Likely benign for CDH23-related condition. Last evaluated: 2025-02-26. Review status: criteria provided, single submitter. Criteria: ACMG Guidelines, 2015. Collection method: clinical testing. Allele origin: germline.
Comment: This variant is classified as likely benign based on ACMG/AMP sequence variant interpretation guidelines (Richards et al. 2015 PMID: 25741868, with internal and published modifications).

Blueprint Genetics
Classification: Likely benign. Last evaluated: 2024-03-19. Review status: criteria provided, single submitter. Criteria: ACMG Guidelines, 2015. Collection method: clinical testing. Allele origin: germline.

GeneDx
Classification: Likely benign. Last evaluated: 2021-07-08. Review status: criteria provided, single submitter. Criteria: GeneDx Variant Classification Process June 2021. Collection method: clinical testing. Allele origin: germline. Affected: yes.

Laboratory for Molecular Medicine, Mass General Brigham Personalized Medicine
Classification: Likely benign. Last evaluated: 2010-04-23. Review status: criteria provided, single submitter. Criteria: LMM Criteria. Collection method: clinical testing. Allele origin: germline. Observed: 1 variant allele.
Comment: Pro3059Pro in exon 63 of CDH23: This variant is not expected to have clinical si gnificance because it does not alter an amino acid residue and is not located ne ar a splice junction.